The following is an entry in ClinVar:

NM_015895.5(GMNN):c.73A>G (p.Thr25Ala)

Gene: GMNN (geminin DNA replication inhibitor; plus strand). Cytogenetic location: 6p22.3.
Variant type: single nucleotide variant.
Coding change: c.73A>G on transcript NM_015895.5 (MANE Select); coding-DNA position 73, A replaced by G.
Protein change: p.Thr25Ala; replaces threonine 25 with alanine.
Molecular consequence: missense variant.
Genome position (GRCh38, 1-based): chr6:24,780,684, A>G. VCF-style: chr6-24780684-A-G. GRCh37 (hg19) VCF-style: chr6-24780912-A-G.
Other names: c.73A>G, p.Thr25Ala (NM_001251989.2, NM_001251990.2, NM_001251991.1); short protein forms T25A.
Identifiers: ClinVar variation 2064645 (VCV002064645.4), dbSNP rs369051791, ClinGen allele CA3658807.
Genomic context (GRCh38, chr6:24,780,684, plus strand): 5'-AACTCAGTAACAAGATAATGAATTATGCTGACTTTTTAGAATAGTTCTGTCCCAAGAAGA[A>G]CTCTGAAGATGATTCAGCCTTCTGCATCTGGATCTCTTGTTGGAAGAGAAAATGAGGTAT-3'
Protein context (NP_056979.1, residues 15-35): NIKNSSVPRR[Thr25Ala]LKMIQPSASG

ClinVar aggregate classification (germline): Uncertain significance (1 of 4 stars; one submission).

Allele frequency attached by ClinVar (database versions not stated): ExAC 0.00001; gnomAD 0.00001; TOPMed 0.00001; ESP Exome Variant Server 0.00008.

Submission:

Labcorp Genetics (formerly Invitae), Labcorp
Classification: Uncertain significance. Last evaluated: 2026-01-31. Review status: criteria provided, single submitter. Criteria: Invitae Variant Classification Sherloc (09022015). Collection method: clinical testing. Allele origin: germline.
Comment: This sequence change replaces threonine, which is neutral and polar, with alanine, which is neutral and non-polar, at codon 25 of the GMNN protein (p.Thr25Ala). This variant is present in population databases (rs369051791, gnomAD 0.003%). This variant has not been reported in the literature in individuals affected with GMNN-related conditions. ClinVar contains an entry for this variant (Variation ID: 2064645). An algorithm developed to predict the effect of missense changes on protein structure and function (PolyPhen-2) suggests that this variant is likely to be disruptive. Experimental studies have shown that this missense change affects GMNN function (PMID: 23695679). In summary, the available evidence is currently insufficient to determine the role of this variant in disease. Therefore, it has been classified as a Variant of Uncertain Significance.

Literature cited by the submitters: PubMed 23695679.